The following is an entry in ClinVar:

ClinVar aggregate classification (germline): Likely benign. Review status: criteria provided, multiple submitters, no conflicts (2 of 4 stars). 2 submissions from 2 submitters: Likely benign (2). Last evaluated 2024-09-01.

Conditions:
Hereditary spastic paraplegia 53. Also called: Spastic paraplegia 53, autosomal recessive. Identifiers: Orphanet 319199, MedGen C3539494, MONDO:0013962, OMIM 614898.

Allele frequency attached by ClinVar (database versions not stated): gnomAD exomes 0.00001; TOPMed 0.00001.
gnomAD v4.1: 13 of 1,613,418 alleles (0.00081%); highest among the groups gnomAD compares: Middle Eastern, 0.017%; no homozygotes.

Submissions (2):

CeGaT Center for Human Genetics Tuebingen
Classification: Likely benign. Last evaluated: 2024-09-01. Review status: criteria provided, single submitter. Criteria: CeGaT Center For Human Genetics Tuebingen Variant Classification Criteria Version 2. Collection method: clinical testing. Allele origin: germline. Affected: yes. Observed: 1 variant allele.
Comment: VPS37A: BP4, BP7

Labcorp Genetics (formerly Invitae), Labcorp
Classification: Likely benign for Hereditary spastic paraplegia 53. Last evaluated: 2023-07-25. Review status: criteria provided, single submitter. Criteria: Invitae Variant Classification Sherloc (09022015). Collection method: clinical testing. Allele origin: germline.

NM_152415.3(VPS37A):c.159A>G (p.Arg53=)

Gene: VPS37A (VPS37A subunit of ESCRT-I; plus strand). Cytogenetic location: 8p22.
Variant type: single nucleotide variant.
Coding change: c.159A>G on transcript NM_152415.3 (MANE Select); coding-DNA position 159, A replaced by G.
Protein change: p.Arg53=; no amino-acid change (arginine 53 retained).
Molecular consequence: synonymous variant. On other transcripts: 5 prime UTR variant (5), intron variant (1).
Genome position (GRCh38, 1-based): chr8:17,265,940, A>G. VCF-style: chr8-17265940-A-G. GRCh37 (hg19) VCF-style: chr8-17123449-A-G.
Other names: c.159A>G, p.Arg53= (NM_001363167.1, NM_001363173.2); c.-112A>G (NM_001363168.1, NM_001363169.1, NM_001363170.1 and 2 more transcripts); c.126-2318A>G (NM_001145152.2).
Identifiers: ClinVar variation 2989399 (VCV002989399.17), dbSNP rs555497328, ClinGen allele CA172958341.